The following is an entry in ClinVar:

NM_001351578.2(ODF2):c.830+7T>C

Genes: ODF2 (outer dense fiber of sperm tails 2; plus strand), ODF2-AS1 (ODF2 antisense RNA 1; minus strand). Cytogenetic location: 9q34.11.
Variant type: single nucleotide variant.
Coding change: c.830+7T>C on transcript NM_001351578.2 (MANE Select); 7 bases into the intron after coding-DNA position 830, T replaced by C.
Molecular consequence: intron variant.
Genome position (GRCh38, 1-based): chr9:128,471,475, T>C. VCF-style: chr9-128471475-T-C. GRCh37 (hg19) VCF-style: chr9-131233754-T-C.
Other names: c.566+7T>C (NM_001351584.2, NM_001351580.2, NM_001351585.2 and 2 more transcripts); c.581+7T>C (NM_153436.2, NM_001242353.2, NM_153433.2); c.830+7T>C (NM_001351577.1); c.773+7T>C (NM_153435.1); c.713+7T>C (NM_001351581.1, NM_153432.1); c.656+7T>C (NM_153439.1); c.509+7T>C (NM_002540.5, NM_001351583.2, NM_001351586.2); c.698+7T>C (NM_001351582.2); and 3 more.
Identifiers: ClinVar variation 3250501 (VCV003250501.18), dbSNP rs138460347.

ClinVar aggregate classification (germline): Likely benign (1 of 4 stars; one submission).

Allele frequency attached by ClinVar (database versions not stated): ExAC 0.00014; gnomAD exomes 0.00017; gnomAD 0.00024; TOPMed 0.00025; 1000 Genomes Project 30x 0.00047; 1000 Genomes Project 0.00060.
gnomAD v4.1: 294 of 1,612,744 alleles (0.018%); highest among the groups gnomAD compares: Middle Eastern, 0.33%; no homozygotes.

Submission:

CeGaT Center for Human Genetics Tuebingen
Classification: Likely benign. Last evaluated: 2024-06-01. Review status: criteria provided, single submitter. Criteria: CeGaT Center For Human Genetics Tuebingen Variant Classification Criteria Version 2. Collection method: clinical testing. Allele origin: germline. Affected: yes. Observed: 1 variant allele.
Comment: ODF2: BP4